The following is an entry in ClinVar:

ClinVar aggregate classification (germline): Uncertain significance (1 of 4 stars; one submission).

Conditions:
Tuberous sclerosis 1 (TSC1). Identifiers: Orphanet 805, MedGen C1854465, MONDO:0008612, OMIM 191100.

Submission:

Labcorp Genetics (formerly Invitae), Labcorp
Classification: Uncertain significance for Tuberous sclerosis 1. Last evaluated: 2025-09-20. Review status: criteria provided, single submitter. Criteria: Invitae Variant Classification Sherloc (09022015). Collection method: clinical testing. Allele origin: germline.
Comment: This sequence change replaces histidine, which is basic and polar, with leucine, which is neutral and non-polar, at codon 206 of the TSC1 protein (p.His206Leu). This variant is not present in population databases (gnomAD no frequency). This variant has not been reported in the literature in individuals affected with TSC1-related conditions. Invitae Evidence Modeling of protein sequence and biophysical properties (such as structural, functional, and spatial information, amino acid conservation, physicochemical variation, residue mobility, and thermodynamic stability) indicates that this missense variant is not expected to disrupt TSC1 protein function with a negative predictive value of 95%. Algorithms developed to predict the effect of sequence changes on RNA splicing suggest that this variant may create or strengthen a splice site. In summary, the available evidence is currently insufficient to determine the role of this variant in disease. Therefore, it has been classified as a Variant of Uncertain Significance.

NM_000368.5(TSC1):c.617A>T (p.His206Leu)

Gene: TSC1 (TSC complex subunit 1; minus strand). Cytogenetic location: 9q34.13.
Variant type: single nucleotide variant.
Coding change: c.617A>T on transcript NM_000368.5 (MANE Select); coding-DNA position 617, A replaced by T.
Protein change: p.His206Leu; replaces histidine 206 with leucine.
Molecular consequence: missense variant. On other transcripts: 5 prime UTR variant (5), non-coding transcript variant (5).
Genome position (GRCh38, 1-based): chr9:132,921,865, T>A on the plus strand (A>T on the coding strand, the complement: TSC1 is on the minus strand). VCF-style: chr9-132921865-T-A. GRCh37 (hg19) VCF-style: chr9-135797252-T-A.
Other names: c.617A>T, p.His206Leu (NM_001406598.1, NM_001406599.1, NM_001406600.1 and 16 more transcripts); c.254A>T, p.His85Leu (NM_001406625.1, NM_001406622.1, NM_001406623.1 and 10 more transcripts); c.-261A>T (NM_001406626.1, NM_001406627.1, NM_001406628.1); c.-403A>T (NM_001406629.1); c.-477A>T (NM_001406630.1); c.464A>T, p.His155Leu (NM_001162427.2, NM_001406610.1, NM_001406611.1 and 2 more transcripts); short protein forms H155L, H206L, H85L.
Identifiers: ClinVar variation 4691516 (VCV004691516.1).